The following is an entry in ClinVar:

NM_000238.4(KCNH2):c.735dup (p.Gly246fs)

Gene: KCNH2 (potassium voltage-gated channel subfamily H member 2; minus strand). Cytogenetic location: 7q36.1.
Variant type: Duplication.
Coding change: c.735dup on transcript NM_000238.4 (MANE Select); coding-DNA position 735, one base duplicated (C; older notation c.735dupC).
Protein change: p.Gly246fs; shifts the reading frame from glycine 246.
Molecular consequence: frameshift variant.
Genome position (GRCh38, 1-based): chr7:150,958,240, G duplicated on the plus strand (C on the coding strand, the reverse complement: KCNH2 is on the minus strand); the first of 3 consecutive G bases (chr7:150,958,240-150,958,242); duplicating any one gives the same sequence. VCF-style (leftmost placement, unchanged base first): chr7-150958239-C-CG. GRCh37 (hg19) VCF-style: chr7-150655327-C-CG.
Other names: c.445dup, p.Gly150Argfs (NM_001406753.1, NM_001406756.1); c.556dup, p.Gly187Argfs (NM_001406755.1); c.433dup, p.Gly146Argfs (NM_001406757.1); c.733dup, p.Gly246Argfs (NM_172056.3); c.735dupC (NM_000238.3); short protein forms G246fs.
Identifiers: ClinVar variation 1758500 (VCV001758500.2), dbSNP rs2486090850, ClinGen allele CA2580077691.
Genomic context (GRCh38, chr7:150,958,239, plus strand): 5'-TGCAGCTGGAGCCCGAGGCGTCGGGGTTGAGGCTGTGCGCCCGGGGCGATGGGAGCTGGC[C>CG]GGGCGCGCTGCGGGGCGGAGAGCCGGGACCCACCAGCGCACGCCGCTCCTCCGCGGGCCC-3'

ClinVar aggregate classification (germline): Pathogenic (1 of 4 stars; one submission).

Conditions:
Cardiovascular phenotype. Identifiers: MedGen CN230736.

Submission:

Ambry Genetics
Classification: Pathogenic for Cardiovascular phenotype. Last evaluated: 2018-12-10. Review status: criteria provided, single submitter. Criteria: Ambry Variant Classification Scheme 2023. Collection method: clinical testing. Allele origin: germline.
Comment: The c.735dupC pathogenic mutation, located in coding exon 4 of the KCNH2 gene, results from a duplication of C at nucleotide position 735, causing a translational frameshift with a predicted alternate stop codon (p.G246Rfs*86). This alteration is expected to result in loss of function by premature protein truncation or nonsense-mediated mRNA decay. As such, this alteration is interpreted as a disease-causing mutation.